The following is an entry in ClinVar:

ClinVar aggregate classification (germline): Uncertain significance (1 of 4 stars; one submission).

gnomAD v4.1: 3 of 1,609,576 alleles (0.00019%); highest among the groups gnomAD compares: South Asian, 0.0011%; no homozygotes.

Submission:

Labcorp Genetics (formerly Invitae), Labcorp
Classification: Uncertain significance. Last evaluated: 2024-05-06. Review status: criteria provided, single submitter. Criteria: Invitae Variant Classification Sherloc (09022015). Collection method: clinical testing. Allele origin: germline.
Comment: This sequence change replaces isoleucine, which is neutral and non-polar, with valine, which is neutral and non-polar, at codon 1459 of the DSCAML1 protein (p.Ile1459Val). This variant is not present in population databases (gnomAD no frequency). This variant has not been reported in the literature in individuals affected with DSCAML1-related conditions. An algorithm developed to predict the effect of missense changes on protein structure and function (PolyPhen-2) suggests that this variant is likely to be disruptive. In summary, the available evidence is currently insufficient to determine the role of this variant in disease. Therefore, it has been classified as a Variant of Uncertain Significance.

NM_020693.4(DSCAML1):c.4195A>G (p.Ile1399Val)

Gene: DSCAML1 (DS cell adhesion molecule like 1; minus strand). Cytogenetic location: 11q23.3.
Variant type: single nucleotide variant.
Coding change: c.4195A>G on transcript NM_020693.4 (MANE Select); coding-DNA position 4195, A replaced by G.
Protein change: p.Ile1399Val; replaces isoleucine 1399 with valine.
Molecular consequence: missense variant.
Genome position (GRCh38, 1-based): chr11:117,438,933, T>C on the plus strand (A>G on the coding strand, the complement: DSCAML1 is on the minus strand). VCF-style: chr11-117438933-T-C. GRCh37 (hg19) VCF-style: chr11-117309649-T-C.
Other names: short protein forms I1399V.
Identifiers: ClinVar variation 3652454 (VCV003652454.2).